The following is an entry in ClinVar:

NM_002485.5(NBN):c.1414A>T (p.Asn472Tyr)

Gene: NBN (nibrin; minus strand). Cytogenetic location: 8q21.3.
Variant type: single nucleotide variant.
Coding change: c.1414A>T on transcript NM_002485.5 (MANE Select); coding-DNA position 1414, A replaced by T.
Protein change: p.Asn472Tyr; replaces asparagine 472 with tyrosine.
Molecular consequence: missense variant.
Genome position (GRCh38, 1-based): chr8:89,953,675, T>A on the plus strand (A>T on the coding strand, the complement: NBN is on the minus strand). VCF-style: chr8-89953675-T-A. GRCh37 (hg19) VCF-style: chr8-90965903-T-A.
Other names: c.1168A>T, p.Asn390Tyr (NM_001024688.3); short protein forms N472Y, N390Y.
Identifiers: ClinVar variation 1504363 (VCV001504363.8), dbSNP rs2129704060, ClinGen allele CA371655902.
Genomic context (GRCh38, chr8:89,953,675, plus strand): 5'-GTTCTAAAAGAGAACAAGACGTTTCTATTCTTGCTGATTTGCATGAAGACATTTCTTGAT[T>A]TTCTTCATCCCTTTCCCTTAGATTTAAAAAAAAAGAAGAAAACAAAACAAGAAAATGAAC-3'
Protein context (NP_002476.2, residues 462-482): STKKRERDEE[Asn472Tyr]QEMSSCKSAR

ClinVar aggregate classification (germline): Uncertain significance (1 of 4 stars; one submission).

Conditions:
Microcephaly, normal intelligence and immunodeficiency (NBS). Also called: BERLIN BREAKAGE SYNDROME; SEEMANOVA SYNDROME II; Immunodeficiency, microcephaly with normal intelligence; Ataxia telangiectasia variant V1; Nijmegen breakage syndrome; IMMUNODEFICIENCY, MICROCEPHALY, AND CHROMOSOMAL INSTABILITY. Identifiers: Orphanet 647, MedGen C0398791, MONDO:0009623, OMIM 251260.

Submission:

Labcorp Genetics (formerly Invitae), Labcorp
Classification: Uncertain significance for Microcephaly, normal intelligence and immunodeficiency. Last evaluated: 2021-01-22. Review status: criteria provided, single submitter. Criteria: Invitae Variant Classification Sherloc (09022015). Collection method: clinical testing. Allele origin: germline.
Comment: In summary, the available evidence is currently insufficient to determine the role of this variant in disease. Therefore, it has been classified as a Variant of Uncertain Significance. This sequence change replaces asparagine with tyrosine at codon 472 of the NBN protein (p.Asn472Tyr). The asparagine residue is weakly conserved and there is a large physicochemical difference between asparagine and tyrosine. This variant is not present in population databases (ExAC no frequency). This variant has not been reported in the literature in individuals with NBN-related conditions. Algorithms developed to predict the effect of missense changes on protein structure and function (SIFT, PolyPhen-2, Align-GVGD) all suggest that this variant is likely to be tolerated, but these predictions have not been confirmed by published functional studies and their clinical significance is uncertain.